The following is an entry in ClinVar:

ClinVar aggregate classification (germline): Conflicting classifications of pathogenicity. Review status: criteria provided, conflicting classifications (1 of 4 stars). 2 submissions from 2 submitters: Uncertain significance (1); Likely benign (1). Last evaluated 2025-12-15.

Conditions:
Familial thoracic aortic aneurysm and aortic dissection (TAAD). Also called: Thoracic aortic aneurysms and dissections. Identifiers: Orphanet 91387, MedGen C4707243, MONDO:0019625.
Congenital contractural arachnodactyly (CCA). Also called: Beals-Hecht syndrome; Arthrogryposis, distal, type 9; BEALS SYNDROME. Identifiers: Orphanet 115, MedGen C0220668, MONDO:0007363, OMIM 121050.

Allele frequency attached by ClinVar (database versions not stated): gnomAD exomes below 0.00001; ExAC 0.00002; TOPMed 0.00006; gnomAD 0.00007; ESP Exome Variant Server 0.00015; 1000 Genomes Project 0.00020; 1000 Genomes Project 30x 0.00031.
gnomAD v4.1: 15 of 1,614,222 alleles (0.00093%); highest among the groups gnomAD compares: African/African-American, 0.016%; no homozygotes.

Submissions (2):

Ambry Genetics
Classification: Uncertain significance for Familial thoracic aortic aneurysm and aortic dissection. Last evaluated: 2025-12-15. Review status: criteria provided, single submitter. Criteria: Ambry Variant Classification Scheme 2023. Collection method: clinical testing. Allele origin: germline.
Comment: The p.R2776K variant (also known as c.8327G>A), located in coding exon 64 of the FBN2 gene, results from a G to A substitution at nucleotide position 8327. The arginine at codon 2776 is replaced by lysine, an amino acid with highly similar properties. This amino acid position is highly conserved in available vertebrate species. In addition, the in silico prediction for this alteration is inconclusive. Based on the available evidence, the clinical significance of this variant remains unclear.

Labcorp Genetics (formerly Invitae), Labcorp
Classification: Likely benign for Congenital contractural arachnodactyly. Last evaluated: 2025-06-22. Review status: criteria provided, single submitter. Criteria: Invitae Variant Classification Sherloc (09022015). Collection method: clinical testing. Allele origin: germline.

NM_001999.4(FBN2):c.8327G>A (p.Arg2776Lys)

Gene: FBN2 (fibrillin 2; minus strand). Cytogenetic location: 5q23.3.
Variant type: single nucleotide variant.
Coding change: c.8327G>A on transcript NM_001999.4 (MANE Select); coding-DNA position 8327, G replaced by A.
Protein change: p.Arg2776Lys; replaces arginine 2776 with lysine.
Molecular consequence: missense variant.
Genome position (GRCh38, 1-based): chr5:128,261,773, C>T on the plus strand (G>A on the coding strand, the complement: FBN2 is on the minus strand). VCF-style: chr5-128261773-C-T. GRCh37 (hg19) VCF-style: chr5-127597465-C-T.
Other names: c.8327G>A (NM_001999.3); short protein forms R2776K.
Identifiers: ClinVar variation 2060552 (VCV002060552.5), dbSNP rs142702600, ClinGen allele CA3393850.
Genomic context (GRCh38, chr5:128,261,773, plus strand): 5'-AACACAGAGTGGGATATACTCACAGCAGTGGGATCAGGTTCATGAATACTTCTCTTCTGC[C>T]TGCTGTCTTTCTTAGAATAGCCGTTGATTTTGCACTCGTAGCATGCTTCTGGGGACAGAG-3'
Protein context (NP_001990.2, residues 2766-2786): KINGYSKKDS[Arg2776Lys]QKRSIHEPDP